The following is an entry in ClinVar:

NM_005359.6(SMAD4):c.424+12_424+13del

Gene: SMAD4 (SMAD family member 4; plus strand). Cytogenetic location: 18q21.2.
Variant type: Deletion.
Coding change: c.424+12_424+13del on transcript NM_005359.6 (MANE Select); bases 12 to 13 of the intron after coding-DNA position 424, 2 bases deleted (TT; older notation c.424+12_424+13delTT).
Molecular consequence: intron variant.
Genome position (GRCh38, 1-based): chr18:51,048,872-51,048,873, TT deleted; deleting any 2 consecutive bases within chr18:51,048,871-51,048,873 gives the same sequence; the c. name uses the placement nearest the transcript's 3' end. VCF-style (leftmost placement, unchanged base first): chr18-51048870-CTT-C. GRCh37 (hg19) VCF-style: chr18-48575240-CTT-C.
Other names: c.424+12_424+13delTT (NM_005359.5).
Identifiers: ClinVar variation 422871 (VCV000422871.8), dbSNP rs749922210, ClinGen allele CA8965781.

ClinVar aggregate classification (germline): Likely benign. Review status: criteria provided, multiple submitters, no conflicts (2 of 4 stars). 2 submissions from 2 submitters: Likely benign (2). Last evaluated 2026-01-27.

Conditions:
Juvenile polyposis syndrome (JPS). Identifiers: Orphanet 2929, MedGen C0345893, MONDO:0017380, OMIM 174900.

Submissions (2):

Labcorp Genetics (formerly Invitae), Labcorp
Classification: Likely benign for Juvenile polyposis syndrome. Last evaluated: 2026-01-27. Review status: criteria provided, single submitter. Criteria: Invitae Variant Classification Sherloc (09022015). Collection method: clinical testing. Allele origin: germline.

GeneDx
Classification: Likely benign. Last evaluated: 2016-12-08. Review status: criteria provided, single submitter. Criteria: GeneDx Variant Classification (06012015). Collection method: clinical testing. Allele origin: germline. Affected: yes.
Comment: This variant is considered likely benign or benign based on one or more of the following criteria: it is a conservative change, it occurs at a poorly conserved position in the protein, it is predicted to be benign by multiple in silico algorithms, and/or has population frequency not consistent with disease.